The following is an entry in ClinVar:

ClinVar aggregate classification (germline): Pathogenic (1 of 4 stars; one submission).

Conditions:
Mucolipidosis type IV (ML4). Also called: ML IV. Identifiers: Orphanet 578, MedGen C0238286, MONDO:0009653, OMIM 252650.

Submission:

Myriad Genetics, Inc.
Classification: Pathogenic for Mucolipidosis type IV. Last evaluated: 2024-03-22. Review status: criteria provided, single submitter. Criteria: Myriad Autosomal Dominant, Autosomal Recessive and X-Linked Classification Criteria (2023). Collection method: clinical testing. Allele origin: unknown.
Comment: NM_020533.2(MCOLN1):c.1017dupA(R340Tfs*123) is expected to be pathogenic in the context of mucolipidosis IV. This variant is predicted to lead to an abnormal or absent protein product due to the creation of a premature termination codon in MCOLN1, a gene where loss-of-function variants are known to be pathogenic. Please note: this variant was assessed in the context of healthy population screening.

NM_020533.3(MCOLN1):c.1017dup (p.Arg340fs)

Gene: MCOLN1 (mucolipin TRP cation channel 1; plus strand). Cytogenetic location: 19p13.2.
Variant type: Duplication.
Coding change: c.1017dup on transcript NM_020533.3 (MANE Select); coding-DNA position 1017, one base duplicated (A; older notation c.1017dupA).
Protein change: p.Arg340fs; shifts the reading frame from arginine 340.
Molecular consequence: frameshift variant.
Genome position (GRCh38, 1-based): chr19:7,528,853, A duplicated. VCF-style (leftmost placement, unchanged base first): chr19-7528852-G-GA. GRCh37 (hg19) VCF-style: chr19-7593738-G-GA.
Other names: short protein forms R340fs.
Identifiers: ClinVar variation 5012853 (VCV005012853.1).